The following is an entry in ClinVar:

NM_201384.3(PLEC):c.1737+17G>A

Gene: PLEC (plectin; minus strand). Cytogenetic location: 8q24.3.
Variant type: single nucleotide variant.
Coding change: c.1737+17G>A on transcript NM_201384.3 (MANE Select); 17 bases into the intron after coding-DNA position 1737, G replaced by A.
Molecular consequence: intron variant.
Genome position (GRCh38, 1-based): chr8:143,932,776, C>T on the plus strand (G>A on the coding strand, the complement: PLEC is on the minus strand). VCF-style: chr8-143932776-C-T. GRCh37 (hg19) VCF-style: chr8-145006944-C-T.
Other names: c.1818+17G>A (NM_000445.5); c.1695+17G>A (NM_201378.4); c.1671+17G>A (NM_201379.3); c.2148+17G>A (NM_201380.4); c.1641+17G>A (NM_201381.3); c.1737+17G>A (NM_201382.4); c.1749+17G>A (NM_201383.3).
Identifiers: ClinVar variation 514858 (VCV000514858.10), dbSNP rs367803033, ClinGen allele CA4927881.

ClinVar aggregate classification (germline): Likely benign. Review status: criteria provided, multiple submitters, no conflicts (2 of 4 stars). 3 submissions from 3 submitters: Likely benign (3). Last evaluated 2024-04-09.

Conditions:
Epidermolysis bullosa simplex, Ogna type (EBS5A). Also called: Pidermolysis bullosa simplex 5A, Ogna type; EPIDERMOLYSIS BULLOSA SIMPLEX 5A, OGNA TYPE. Identifiers: Orphanet 79401, MedGen C0432317, MONDO:0007555, OMIM 131950.
Epidermolysis bullosa simplex with nail dystrophy (EBS5D). Identifiers: MedGen C4225309, MONDO:0014661, OMIM 616487.
Epidermolysis bullosa simplex 5B, with muscular dystrophy (EBS5B). Also called: EPIDERMOLYSIS BULLOSA SIMPLEX AND LIMB-GIRDLE MUSCULAR DYSTROPHY; Epidermolysis bullosa simplex with muscular dystrophy. Identifiers: Orphanet 257, MedGen C2931072, MONDO:0009181, OMIM 226670.
Epidermolysis bullosa simplex 5C, with pyloric atresia (EBS5C). Also called: PLEC1-Related Epidermolysis Bullosa with Pyloric Atresia; Epidermolysis bullosa simplex with pyloric atresia; PLEC-Related Epidermolysis Bullosa with Pyloric Atresia. Identifiers: Orphanet 158684, MedGen C2677349, MONDO:0012807, OMIM 612138.
Autosomal recessive limb-girdle muscular dystrophy type 2Q (LGMDR17). Also called: MUSCULAR DYSTROPHY, LIMB-GIRDLE, AUTOSOMAL RECESSIVE 17. Identifiers: Orphanet 254361, MedGen C3150989, MONDO:0013390, OMIM 613723.

Allele frequency attached by ClinVar (database versions not stated): TOPMed 0.00003; ESP Exome Variant Server 0.00008; gnomAD 0.00012 and 0.00013; gnomAD exomes 0.00015; ExAC 0.00018.
gnomAD v4.1: 143 of 1,611,148 alleles (0.0089%); highest among the groups gnomAD compares: South Asian, 0.018%; 1 homozygote.

Submissions (3):

Blueprint Genetics
Classification: Likely benign. Last evaluated: 2024-04-09. Review status: criteria provided, single submitter. Criteria: ACMG Guidelines, 2015. Collection method: clinical testing. Allele origin: germline.

Labcorp Genetics (formerly Invitae), Labcorp
Classification: Likely benign for Autosomal recessive limb-girdle muscular dystrophy type 2Q; Epidermolysis bullosa simplex, Ogna type; Epidermolysis bullosa simplex with nail dystrophy; Epidermolysis bullosa simplex 5C, with pyloric atresia; Epidermolysis bullosa simplex 5B, with muscular dystrophy. Last evaluated: 2024-02-24. Review status: criteria provided, single submitter. Criteria: Invitae Variant Classification Sherloc (09022015). Collection method: clinical testing. Allele origin: germline.

GeneDx
Classification: Likely benign. Last evaluated: 2018-01-22. Review status: criteria provided, single submitter. Criteria: GeneDx Variant Classification (06012015). Collection method: clinical testing. Allele origin: germline. Affected: yes.
Comment: This variant is considered likely benign or benign based on one or more of the following criteria: it is a conservative change, it occurs at a poorly conserved position in the protein, it is predicted to be benign by multiple in silico algorithms, and/or has population frequency not consistent with disease.